The following is an entry in ClinVar:

NM_001040108.2(MLH3):c.3983T>C (p.Val1328Ala)

Gene: MLH3 (mutL homolog 3; minus strand). Cytogenetic location: 14q24.3.
Variant type: single nucleotide variant.
Coding change: c.3983T>C on transcript NM_001040108.2 (MANE Select); coding-DNA position 3983, T replaced by C.
Protein change: p.Val1328Ala; replaces valine 1328 with alanine.
Molecular consequence: missense variant.
Genome position (GRCh38, 1-based): chr14:75,030,547, A>G on the plus strand (T>C on the coding strand, the complement: MLH3 is on the minus strand). VCF-style: chr14-75030547-A-G. GRCh37 (hg19) VCF-style: chr14-75497250-A-G.
Other names: c.3911T>C, p.Val1304Ala (NM_014381.3); short protein forms V1328A, V1304A.
Identifiers: ClinVar variation 935629 (VCV000935629.10), dbSNP rs1890975310, ClinGen allele CA390422411.
Genomic context (GRCh38, chr14:75,030,547, plus strand): 5'-AAATATGAGGTTACCATCACTCAGCAATTTCCTTAACATCTGCAGCTGTGTCTTACCTCC[A>G]CAATACTCTTGGTCACAGTAGATCTTCCTCTCCGAAGTTCATTGGCTTCTCTTTCCACAA-3'
Protein context (NP_001035197.1, residues 1318-1338): RGRSTVTKSI[Val1328Ala]EEFIREQLEL

ClinVar aggregate classification (germline): Uncertain significance. Review status: criteria provided, multiple submitters, no conflicts (2 of 4 stars). 2 submissions from 2 submitters: Uncertain significance (2). Last evaluated 2026-06-22.

Conditions:
Colorectal cancer, hereditary nonpolyposis, type 7. Identifiers: Orphanet 144, MedGen C1858380, MONDO:0013725, OMIM 614385.

gnomAD v4.1: 1 of 1,614,116 alleles (0.000062%); highest among the groups gnomAD compares: Non-Finnish European, 0.000085%; no homozygotes.

Submissions (2):

Ambry Genetics
Classification: Uncertain significance. Last evaluated: 2026-06-22. Review status: criteria provided, single submitter. Criteria: Ambry Variant Classification Scheme 2023. Collection method: clinical testing. Allele origin: germline.
Comment: The p.V1328A variant (also known as c.3983T>C), located in coding exon 8 of the MLH3 gene, results from a T to C substitution at nucleotide position 3983. The valine at codon 1328 is replaced by alanine, an amino acid with similar properties. This amino acid position is conserved. In addition, the in silico prediction for this alteration is inconclusive. Based on the available evidence, the clinical significance of this variant remains unclear.

Labcorp Genetics (formerly Invitae), Labcorp
Classification: Uncertain significance for Colorectal cancer, hereditary nonpolyposis, type 7. Last evaluated: 2019-10-04. Review status: criteria provided, single submitter. Criteria: Invitae Variant Classification Sherloc (09022015). Collection method: clinical testing. Allele origin: germline.
Comment: This sequence change replaces valine with alanine at codon 1328 of the MLH3 protein (p.Val1328Ala). The valine residue is moderately conserved and there is a small physicochemical difference between valine and alanine. This variant is not present in population databases (ExAC no frequency). This variant has not been reported in the literature in individuals with MLH3-related conditions. Algorithms developed to predict the effect of missense changes on protein structure and function are either unavailable or do not agree on the potential impact of this missense change (SIFT: "Tolerated"; PolyPhen-2: "Possibly Damaging"; Align-GVGD: "Class C0"). In summary, the available evidence is currently insufficient to determine the role of this variant in disease. Therefore, it has been classified as a Variant of Uncertain Significance.